The following is an entry in ClinVar:

ClinVar aggregate classification (germline): Benign. Review status: criteria provided, multiple submitters, no conflicts (2 of 4 stars). 3 submissions from 3 submitters: Benign (2). 1 of the submissions does not count toward it. Last evaluated 2026-01-11.

Conditions:
DNAH1-related disorder. Also called: DNAH1-related condition.
Spermatogenic failure 18. Identifiers: MedGen C4539783, MONDO:0054615, OMIM 617576.
Ciliary dyskinesia, primary, 37 (CILD37). Also called: CILIARY DYSKINESIA, PRIMARY, 37, WITH OR WITHOUT SITUS INVERSUS. Identifiers: MedGen C4539798, MONDO:0033204, OMIM 617577.

Allele frequency attached by ClinVar (database versions not stated): ExAC 0.00096; gnomAD 0.00023 and 0.00013; 1000 Genomes Project 0.00120; gnomAD exomes 0.00017 and 0.00054; TOPMed 0.00028; 1000 Genomes Project 30x 0.00109.
gnomAD v4.1: 292 of 1,584,284 alleles (0.018%); highest among the groups gnomAD compares: East Asian, 0.36%; 3 homozygotes.

Submissions (3):

Labcorp Genetics (formerly Invitae), Labcorp
Classification: Benign for Ciliary dyskinesia, primary, 37; Spermatogenic failure 18. Last evaluated: 2026-01-11. Review status: criteria provided, single submitter. Criteria: Invitae Variant Classification Sherloc (09022015). Collection method: clinical testing. Allele origin: germline.

Breakthrough Genomics
Classification: Benign. Review status: criteria provided, single submitter. Criteria: ACMG Guidelines, 2015. Collection method: not provided. Allele origin: germline. Inheritance: Autosomal recessive inheritance. Affected: yes.

PreventionGenetics, part of Exact Sciences
Classification: Likely benign for DNAH1-related condition. Last evaluated: 2019-06-18. Review status: no assertion criteria provided. Collection method: clinical testing. Allele origin: germline. Not counted in ClinVar's aggregate classification.
Comment: This variant is classified as likely benign based on ACMG/AMP sequence variant interpretation guidelines (Richards et al. 2015 PMID: 25741868, with internal and published modifications).

NM_015512.5(DNAH1):c.1957C>T (p.Pro653Ser)

Gene: DNAH1 (dynein axonemal heavy chain 1; plus strand). Cytogenetic location: 3p21.1.
Variant type: single nucleotide variant.
Coding change: c.1957C>T on transcript NM_015512.5 (MANE Select); coding-DNA position 1957, C replaced by T.
Protein change: p.Pro653Ser; replaces proline 653 with serine.
Molecular consequence: missense variant.
Genome position (GRCh38, 1-based): chr3:52,347,825, C>T. VCF-style: chr3-52347825-C-T. GRCh37 (hg19) VCF-style: chr3-52381841-C-T.
Other names: short protein forms P653S.
Identifiers: ClinVar variation 707433 (VCV000707433.13), dbSNP rs200101285, ClinGen allele CA2433111.